The following is an entry in ClinVar:

NM_000540.3(RYR1):c.3396C>G (p.His1132Gln)

Gene: RYR1 (ryanodine receptor 1; plus strand). Cytogenetic location: 19q13.2.
Variant type: single nucleotide variant.
Coding change: c.3396C>G on transcript NM_000540.3 (MANE Select); coding-DNA position 3396, C replaced by G.
Protein change: p.His1132Gln; replaces histidine 1132 with glutamine.
Molecular consequence: missense variant.
Genome position (GRCh38, 1-based): chr19:38,468,980, C>G. VCF-style: chr19-38468980-C-G. GRCh37 (hg19) VCF-style: chr19-38959620-C-G.
Other names: c.3396C>G, p.His1132Gln (NM_001042723.2); short protein forms H1132Q.
Identifiers: ClinVar variation 954950 (VCV000954950.16), dbSNP rs572636254, ClinGen allele CA064801.
Genomic context (GRCh38, chr19:38,468,980, plus strand): 5'-CTCTGTGTGTCTCCCCACACCATGTCTTCTCTGGCTGTCCTCACAGGGCCAGCGCTGGCA[C>G]TTGGGCAGTGAACCATTTGGGCGCCCCTGGCAGCCGGGCGATGTCGTTGGCTGTATGATC-3'
Protein context (NP_000531.2, residues 1122-1142): VFNGHRGQRW[His1132Gln]LGSEPFGRPW

ClinVar aggregate classification (germline): Uncertain significance. Review status: criteria provided, multiple submitters, no conflicts (2 of 4 stars). 5 submissions from 5 submitters: Uncertain significance (5). Last evaluated 2025-12-17.

Conditions:
Malignant hyperthermia, susceptibility to, 1 (MHS1). Also called: RYR1-Related Malignant Hyperthermia Susceptibility; Malignant hyperthermia suceptibility 1; Anesthesia related hyperthermia; Malignant hyperpyrexia; Fulminating hyperpyrexia; Pharmacogenic myopathy. Identifiers: Orphanet 423, MedGen C2930980, MONDO:0007783, OMIM 145600.
RYR1-related disorder. Also called: RYR1-related condition; RYR1-related disorders. Identifiers: MedGen CN239331.
Inborn genetic diseases. Identifiers: MedGen C0950123, MeSH D030342.

Allele frequency attached by ClinVar (database versions not stated): gnomAD exomes below 0.00001; ExAC 0.00001; gnomAD 0.00001; TOPMed 0.00002; 1000 Genomes Project 30x 0.00016; 1000 Genomes Project 0.00020.
gnomAD v4.1: 3 of 1,614,154 alleles (0.00019%); highest among the groups gnomAD compares: African/African-American, 0.0027%; no homozygotes.

Submissions (5):

Labcorp Genetics (formerly Invitae), Labcorp
Classification: Uncertain significance for RYR1-related disorder. Last evaluated: 2025-12-17. Review status: criteria provided, single submitter. Criteria: Invitae Variant Classification Sherloc (09022015). Collection method: clinical testing. Allele origin: germline.
Comment: This sequence change replaces histidine, which is basic and polar, with glutamine, which is neutral and polar, at codon 1132 of the RYR1 protein (p.His1132Gln). This variant is present in population databases (rs572636254, gnomAD 0.007%). This variant has not been reported in the literature in individuals affected with RYR1-related conditions. ClinVar contains an entry for this variant (Variation ID: 954950). Invitae Evidence Modeling of protein sequence and biophysical properties (such as structural, functional, and spatial information, amino acid conservation, physicochemical variation, residue mobility, and thermodynamic stability) indicates that this missense variant is expected to disrupt RYR1 protein function with a positive predictive value of 95%. In summary, the available evidence is currently insufficient to determine the role of this variant in disease. Therefore, it has been classified as a Variant of Uncertain Significance.

Ambry Genetics
Classification: Uncertain significance for Inborn genetic diseases. Last evaluated: 2024-11-14. Review status: criteria provided, single submitter. Criteria: Ambry Variant Classification Scheme 2023. Collection method: clinical testing. Allele origin: germline.

Color Diagnostics, LLC DBA Color Health
Classification: Uncertain significance for Malignant hyperthermia, susceptibility to, 1. Last evaluated: 2024-03-19. Review status: criteria provided, single submitter. Criteria: ACMG Guidelines, 2015. Collection method: clinical testing. Allele origin: germline.
Comment: This missense variant replaces histidine with glutamine at codon 1132 of the RYR1 protein. Computational prediction is inconclusive regarding the impact of this variant on protein structure and function. To our knowledge, functional studies have not been reported for this variant. This variant has not been reported in individuals affected with RYR1-related disorders in the literature. This variant has been identified in 1/251412 chromosomes in the general population by the Genome Aggregation Database (gnomAD). The available evidence is insufficient to determine the role of this variant in disease conclusively. Therefore, this variant is classified as a Variant of Uncertain Significance.

Baylor Genetics
Classification: Uncertain significance for Malignant hyperthermia, susceptibility to, 1. Last evaluated: 2023-02-27. Review status: criteria provided, single submitter. Criteria: ACMG Guidelines, 2015. Collection method: clinical testing. Allele origin: unknown.

Revvity Omics, Revvity
Classification: Uncertain significance. Last evaluated: 2019-05-09. Review status: criteria provided, single submitter. Criteria: ACMG Guidelines, 2015. Collection method: clinical testing. Allele origin: germline.